The following is an entry in ClinVar:

NM_001939.3(DRP2):c.754G>A (p.Gly252Arg)

Gene: DRP2 (dystrophin related protein 2; plus strand). Cytogenetic location: Xq22.1.
Variant type: single nucleotide variant.
Coding change: c.754G>A on transcript NM_001939.3 (MANE Select); coding-DNA position 754, G replaced by A.
Protein change: p.Gly252Arg; replaces glycine 252 with arginine.
Molecular consequence: missense variant.
Genome position (GRCh38, 1-based): chrX:101,241,862, G>A. VCF-style: chrX-101241862-G-A. GRCh37 (hg19) VCF-style: chrX-100496851-G-A.
Other names: c.520G>A, p.Gly174Arg (NM_001171184.2); short protein forms G174R, G252R.
Identifiers: ClinVar variation 1371124 (VCV001371124.6), dbSNP rs771279299, ClinGen allele CA10472129.

ClinVar aggregate classification (germline): Uncertain significance (1 of 4 stars; one submission).

Allele frequency attached by ClinVar (database versions not stated): TOPMed 0.00001; gnomAD 0.00002; gnomAD exomes 0.00002 and 0.00004; ExAC 0.00003.
gnomAD v4.1: 45 of 1,185,426 alleles (0.0038%); highest among the groups gnomAD compares: Non-Finnish European, 0.0049%; no homozygotes.

Submission:

Labcorp Genetics (formerly Invitae), Labcorp
Classification: Uncertain significance. Last evaluated: 2025-10-07. Review status: criteria provided, single submitter. Criteria: Invitae Variant Classification Sherloc (09022015). Collection method: clinical testing. Allele origin: germline.
Comment: This sequence change replaces glycine, which is neutral and non-polar, with arginine, which is basic and polar, at codon 252 of the DRP2 protein (p.Gly252Arg). This variant is present in population databases (rs771279299, gnomAD 0.007%). This variant has not been reported in the literature in individuals affected with DRP2-related conditions. ClinVar contains an entry for this variant (Variation ID: 1371124). Invitae Evidence Modeling of protein sequence and biophysical properties (such as structural, functional, and spatial information, amino acid conservation, physicochemical variation, residue mobility, and thermodynamic stability) indicates that this missense variant is not expected to disrupt DRP2 protein function with a negative predictive value of 80%. In summary, the available evidence is currently insufficient to determine the role of this variant in disease. Therefore, it has been classified as a Variant of Uncertain Significance.